The following is an entry in ClinVar:

ClinVar aggregate classification (germline): Uncertain significance. Review status: criteria provided, multiple submitters, no conflicts (2 of 4 stars). 2 submissions from 2 submitters: Uncertain significance (2). Last evaluated 2026-02-13.

Conditions:
Hereditary breast ovarian cancer syndrome. Also called: Hereditary breast and ovarian cancer; Hereditary breast and ovarian cancer syndrome; Hereditary breast and ovarian cancer syndrome (HBOC); Breast and ovarian cancer; BRCA1- and BRCA2-Associated Hereditary Breast and Ovarian Cancer; Hereditary breast and/or ovarian cancer syndrome. Identifiers: Orphanet 145, MedGen C0677776, MeSH D061325, MONDO:0003582. Disease mechanism: loss of function.
Hereditary cancer-predisposing syndrome. Also called: Tumor predisposition; Neoplastic Syndromes, Hereditary; Hereditary Cancer Syndrome; Hereditary neoplastic syndrome. Identifiers: Orphanet 140162, MedGen C0027672, MeSH D009386, MONDO:0015356.

Submissions (3):

Ambry Genetics
Classification: Uncertain significance for Hereditary cancer-predisposing syndrome. Last evaluated: 2026-02-13. Review status: criteria provided, single submitter. Criteria: Ambry Variant Classification Scheme 2023. Collection method: clinical testing. Allele origin: germline.
Comment: The c.301+2T>C intronic variant results from a T to C substitution two nucleotides after coding exon 4 in the BRCA1 gene. One functional study found that this nucleotide substitution is non-functional in a high throughput genome editing haploid cell survival assay (Findlay GM et al. Nature, 2018 Oct;562:217-222); however these findings may have been impacted by an additional sequencing modification that was made in these experiments, so the functional impact of this variant remains unclear at this time. A close match (c.301+1G>A) been confirmed in trans with a pathogenic mutation in BRCA1 in an individual without features of Fanconi Anemia (Ambry internal data, personal communication). This nucleotide position is well conserved in available vertebrate species. In silico splice site analysis predicts that this alteration will weaken the native splice donor site. RNA studies have demonstrated that this variant results in a transcript predicted to lead to a protein with an in-frame deletion of 4 amino acids and insertion of 1 amino acid; however, the exact functional impact of this transcript is unknown at this time (Ambry internal data). Based on the available evidence, the clinical significance of this variant remains unclear.

Labcorp Genetics (formerly Invitae), Labcorp
Classification: Uncertain significance for Hereditary breast ovarian cancer syndrome. Last evaluated: 2019-01-30. Review status: criteria provided, single submitter. Criteria: Invitae Variant Classification Sherloc (09022015). Collection method: clinical testing. Allele origin: germline.
Comment: This variant is not present in population databases (ExAC no frequency). In summary, the available evidence is currently insufficient to determine the role of this variant in disease. Therefore, it has been classified as a Variant of Uncertain Significance. Donor and acceptor splice site variants typically lead to a loss of protein function (PMID: 16199547), and loss-of-function variants in BRCA1 are known to be pathogenic (PMID: 20104584). However, other variants within this consensus splice site have been shown not to affect splicing (PMID: 21769658), and were reported as non-deleterious (PMID: 21769658, 28408614). This variant has not been reported in the literature in individuals with BRCA1-related conditions. ClinVar contains an entry for this variant (Variation ID: 574486). This sequence change affects a donor splice site in intron 5 of the BRCA1 gene. It is expected to disrupt RNA splicing and likely results in an absent or disrupted protein product.

Brotman Baty Institute, University of Washington
No classification provided (evidence only). Condition: Breast-ovarian cancer, familial 1. Review status: no classification provided. Collection method: in vitro. Allele origin: not applicable. Functional consequence: functionally_abnormal. Not counted in ClinVar's aggregate classification.
ClinVar note: "not provided" was previously submitted as the classification for the variant. However, the classification appeared to be based only on an observation of functional data so it was converted to no classification on 2025-07-30.

Literature cited by the submitters: PubMed 30209399 (cited by Ambry Genetics); PubMed 16199547 (cited by Labcorp Genetics (formerly Invitae), Labcorp); PubMed 20104584 (cited by Labcorp Genetics (formerly Invitae), Labcorp); PubMed 21769658 (cited by Labcorp Genetics (formerly Invitae), Labcorp); PubMed 28408614 (cited by Labcorp Genetics (formerly Invitae), Labcorp).

NM_007294.4(BRCA1):c.301+2T>C

Gene: BRCA1 (BRCA1 DNA repair associated; minus strand). Cytogenetic location: 17q21.31.
Variant type: single nucleotide variant.
Coding change: c.301+2T>C on transcript NM_007294.4 (MANE Select); the canonical splice donor site of the intron after coding-DNA position 301, T replaced by C.
Molecular consequence: splice donor variant. On other transcripts: intron variant (5).
Genome position (GRCh38, 1-based): chr17:43,104,866, A>G on the plus strand (T>C on the coding strand, the complement: BRCA1 is on the minus strand). VCF-style: chr17-43104866-A-G. GRCh37 (hg19) VCF-style: chr17-41256883-A-G.
Other names: c.301+2T>C (NM_001407688.1, NM_001407940.1, NM_001407671.1 and 164 more transcripts); c.160+2T>C (NM_001407748.1, NM_001408500.1, NM_001407921.1 and 99 more transcripts); c.223+2T>C (NM_001407862.1, NM_001408409.1, NM_001407663.1 and 21 more transcripts); c.91+2T>C (NM_001407958.1, NM_001407955.1, NM_001408493.1 and 58 more transcripts); c.-218-10006T>C (NM_001407966.1, NM_001407967.1); c.-81+2T>C (NM_001407963.1, NM_001407960.1, NM_001407965.1 and 4 more transcripts); c.292+11T>C (NM_001407646.1, NM_001408408.1, NM_001407647.1); c.169+2T>C (NM_001408451.1).
Identifiers: ClinVar variation 574486 (VCV000574486.15), dbSNP rs1567811002, ClinGen allele CA10601548.